The following is an entry in ClinVar:

NM_001303256.3(MORC2):c.2610G>C (p.Glu870Asp)

Gene: MORC2 (MORC family CW-type zinc finger 2; minus strand). Cytogenetic location: 22q12.2.
Variant type: single nucleotide variant.
Coding change: c.2610G>C on transcript NM_001303256.3 (MANE Select); coding-DNA position 2610, G replaced by C.
Protein change: p.Glu870Asp; replaces glutamic acid 870 with aspartic acid.
Molecular consequence: missense variant.
Genome position (GRCh38, 1-based): chr22:30,932,682, C>G on the plus strand (G>C on the coding strand, the complement: MORC2 is on the minus strand). VCF-style: chr22-30932682-C-G. GRCh37 (hg19) VCF-style: chr22-31328669-C-G.
Other names: c.2610G>C, p.Glu870Asp (NM_001303257.2); c.2424G>C, p.Glu808Asp (NM_014941.3); short protein forms E808D, E870D.
Identifiers: ClinVar variation 2075164 (VCV002075164.1), dbSNP rs375217252, ClinGen allele CA323269609.

ClinVar aggregate classification (germline): Uncertain significance (1 of 4 stars; one submission).

Conditions:
Charcot-Marie-Tooth disease axonal type 2Z. Also called: CHARCOT-MARIE-TOOTH DISEASE, AXONAL, AUTOSOMAL DOMINANT, TYPE 2Z; CHARCOT-MARIE-TOOTH NEUROPATHY, TYPE 2Z. Identifiers: Orphanet 466768, MedGen C5569025, MONDO:0014736, OMIM 616688.

Allele frequency attached by ClinVar (database versions not stated): gnomAD exomes 0.00001.
gnomAD v4.1: 3 of 1,614,212 alleles (0.00019%); highest among the groups gnomAD compares: Admixed American, 0.005%; no homozygotes.

Submission:

Labcorp Genetics (formerly Invitae), Labcorp
Classification: Uncertain significance for Charcot-Marie-Tooth disease axonal type 2Z. Last evaluated: 2021-12-31. Review status: criteria provided, single submitter. Criteria: Invitae Variant Classification Sherloc (09022015). Collection method: clinical testing. Allele origin: germline.
Comment: This sequence change replaces glutamic acid, which is acidic and polar, with aspartic acid, which is acidic and polar, at codon 870 of the MORC2 protein (p.Glu870Asp). This variant is present in population databases (no rsID available, gnomAD 0.009%). This variant has not been reported in the literature in individuals affected with MORC2-related conditions. Advanced modeling of protein sequence and biophysical properties (such as structural, functional, and spatial information, amino acid conservation, physicochemical variation, residue mobility, and thermodynamic stability) performed at Invitae indicates that this missense variant is not expected to disrupt MORC2 protein function. In summary, the available evidence is currently insufficient to determine the role of this variant in disease. Therefore, it has been classified as a Variant of Uncertain Significance.